The following is an entry in ClinVar:

ClinVar aggregate classification (germline): Pathogenic (1 of 4 stars; one submission).

Conditions:
Familial cancer of breast. Also called: hereditary breast carcinoma; Hereditary breast cancer; BREAST CANCER, FAMILIAL. Identifiers: Orphanet 227535, MedGen C0346153, MONDO:0016419, OMIM 114480. Disease mechanism: loss of function.

Submission:

Labcorp Genetics (formerly Invitae), Labcorp
Classification: Pathogenic for Familial cancer of breast. Last evaluated: 2021-03-23. Review status: criteria provided, single submitter. Criteria: Invitae Variant Classification Sherloc (09022015). Collection method: clinical testing. Allele origin: germline.
Comment: This variant has not been reported in the literature in individuals with PALB2-related conditions. For these reasons, this variant has been classified as Pathogenic. This variant is not present in population databases (ExAC no frequency). This sequence change creates a premature translational stop signal (p.Tyr28*) in the PALB2 gene. It is expected to result in an absent or disrupted protein product. Loss-of-function variants in PALB2 are known to be pathogenic (PMID: 17200668, 24136930, 25099575).

Literature cited by the submitters: PubMed 17200668; PubMed 24136930; PubMed 25099575.

NM_024675.4(PALB2):c.84C>A (p.Tyr28Ter)

Gene: PALB2 (partner and localizer of BRCA2; minus strand). Cytogenetic location: 16p12.2.
Variant type: single nucleotide variant.
Coding change: c.84C>A on transcript NM_024675.4 (MANE Select); coding-DNA position 84, C replaced by A.
Protein change: p.Tyr28Ter; replaces tyrosine 28 with a stop codon.
Molecular consequence: nonsense.
Genome position (GRCh38, 1-based): chr16:23,638,094, G>T on the plus strand (C>A on the coding strand, the complement: PALB2 is on the minus strand). VCF-style: chr16-23638094-G-T. GRCh37 (hg19) VCF-style: chr16-23649415-G-T.
Other names: short protein forms Y28*.
Identifiers: ClinVar variation 1351198 (VCV001351198.7), dbSNP rs761533286, ClinGen allele CA395139725.
Genomic context (GRCh38, chr16:23,638,094, plus strand): 5'-CTATAACACCTTAATTTGAGAATACGATTCACTTACCTGAAGGCGGGCTAGTGTCTTGCT[G>T]TATTCCCTTTTCAAGAATGCTAATTTCTCCTTTAACTGGAAGAAGAAAAACACCAACAAT-3'